The following continues an entry in ClinVar:

NM_206933.4(USH2A):c.802G>A (p.Gly268Arg)

Gene: USH2A. ClinVar aggregate classification (germline): Pathogenic/Likely pathogenic. Pathogenic (14); Likely pathogenic (3).

Submissions 15 to 19 of 19:

Institute of Human Genetics, Univ. Regensburg, Univ. Regensburg
Classification: Likely pathogenic for Retinal dystrophy. Last evaluated: 2020-01-01. Review status: criteria provided, single submitter. Criteria: ACMG Guidelines, 2015. Collection method: clinical testing. Allele origin: germline. Affected: yes.

Laboratory for Molecular Medicine, Mass General Brigham Personalized Medicine
Classification: Pathogenic for Usher syndrome. Last evaluated: 2019-02-07. Review status: criteria provided, single submitter. Criteria: LMM Criteria. Collection method: clinical testing. Allele origin: germline. Inheritance: Autosomal recessive inheritance. Observed: 1 variant allele.
Comment: proposed classification - variant undergoing re-assessment, contact laboratory

Juno Genomics, Hangzhou Juno Genomics, Inc
Classification: Pathogenic for Retinitis pigmentosa 39; Usher syndrome type 2A. Review status: criteria provided, single submitter. Criteria: ACMG Guidelines, 2015. Collection method: clinical testing. Allele origin: germline.
Comment: Absent from controls (or at extremely low frequency if recessive) in Genome Aggregation Database.;Multiple lines of computational evidence support a deleterious effect on the gene or gene product.;For recessive disorders, detected in trans with a pathogenic variant.;Co-segregation with disease in multiple affected family members.

Sharon lab, Hadassah-Hebrew University Medical Center
Classification: Pathogenic for Usher syndrome type 2. Last evaluated: 2019-06-23. Review status: no assertion criteria provided. Collection method: research. Allele origin: inherited. Affected: yes. Not counted in ClinVar's aggregate classification.

Counsyl
Classification: Likely pathogenic for Usher syndrome type 2A; Retinitis pigmentosa 39. Last evaluated: 2017-06-29. Review status: no assertion criteria provided. Collection method: clinical testing. Allele origin: unknown. Not counted in ClinVar's aggregate classification.

Literature cited by the submitters: PubMed 25356976 (cited by 5 submitters); PubMed 29490346 (cited by 3 submitters); PubMed 29625443 (cited by Labcorp Genetics (formerly Invitae), Labcorp and Institute of Human Genetics, Univ. Regensburg, Univ. Regensburg); PubMed 28944237 (cited by 3billion and Women's Health and Genetics/Laboratory Corporation of America, LabCorp); PubMed 22135276 (cited by 4 submitters); PubMed 27460420 (cited by 3 submitters); PubMed 18273898 (cited by 3 submitters); PubMed 33124170 (cited by Natera, Inc. and Institute of Human Genetics, Univ. Regensburg, Univ. Regensburg); PubMed 32531858 (cited by 3 submitters); PubMed 40180963 (cited by Ophthalmic Genetics Group, Institute of Molecular and Clinical Ophthalmology Basel); PubMed 15325563 (cited by Women's Health and Genetics/Laboratory Corporation of America, LabCorp and Laboratory for Molecular Medicine, Mass General Brigham Personalized Medicine); PubMed 32637036 (cited by Women's Health and Genetics/Laboratory Corporation of America, LabCorp); PubMed 30245029 (cited by Institute of Human Genetics, Univ. Regensburg, Univ. Regensburg and Laboratory for Molecular Medicine, Mass General Brigham Personalized Medicine); PubMed 31054281 (cited by Institute of Human Genetics, Univ. Regensburg, Univ. Regensburg); PubMed 31213501 (cited by Institute of Human Genetics, Univ. Regensburg, Univ. Regensburg); PubMed 31964843 (cited by Institute of Human Genetics, Univ. Regensburg, Univ. Regensburg); PubMed 33090715 (cited by Institute of Human Genetics, Univ. Regensburg, Univ. Regensburg); PubMed 31456290 (cited by Institute of Human Genetics, Univ. Regensburg, Univ. Regensburg); PubMed 32037395 (cited by Institute of Human Genetics, Univ. Regensburg, Univ. Regensburg); PubMed 32188678 (cited by Institute of Human Genetics, Univ. Regensburg, Univ. Regensburg); PubMed 32675063 (cited by Institute of Human Genetics, Univ. Regensburg, Univ. Regensburg); PubMed 35266249 (cited by Institute of Human Genetics, Univ. Regensburg, Univ. Regensburg); PubMed 36460718 (cited by Institute of Human Genetics, Univ. Regensburg, Univ. Regensburg); PubMed 36819107 (cited by Institute of Human Genetics, Univ. Regensburg, Univ. Regensburg); PubMed 27318125 (cited by Laboratory for Molecular Medicine, Mass General Brigham Personalized Medicine); PubMed 26338283 (cited by Laboratory for Molecular Medicine, Mass General Brigham Personalized Medicine and Counsyl); PubMed 20052763 (cited by Laboratory for Molecular Medicine, Mass General Brigham Personalized Medicine); PubMed 10729113 (cited by Laboratory for Molecular Medicine, Mass General Brigham Personalized Medicine); PubMed 24944099 (cited by Counsyl).